The following is an entry in ClinVar:

ClinVar aggregate classification (germline): Uncertain significance. Review status: criteria provided, multiple submitters, no conflicts (2 of 4 stars). 2 submissions from 2 submitters: Uncertain significance (2). Last evaluated 2019-08-13.

Conditions:
Deficiency of adenosine deaminase 2. Also called: Polyarteritis nodosa, childhoood-onset; VASCULITIS, AUTOINFLAMMATION, IMMUNODEFICIENCY, AND HEMATOLOGIC DEFECTS SYNDROME; Adenosine Deaminase 2 Deficiency. Identifiers: Orphanet 404553, MedGen C3887654, MONDO:0014306, OMIM 615688, MONDO:0100317.
Autoinflammatory syndrome. Identifiers: Orphanet 93665, MedGen C3890737, MONDO:0019751.

Allele frequency attached by ClinVar (database versions not stated): TOPMed 0.00001.

Submissions (2):

Labcorp Genetics (formerly Invitae), Labcorp
Classification: Uncertain significance for Deficiency of adenosine deaminase 2. Last evaluated: 2019-08-13. Review status: criteria provided, single submitter. Criteria: Invitae Variant Classification Sherloc (09022015). Collection method: clinical testing. Allele origin: germline.
Comment: Algorithms developed to predict the effect of missense changes on protein structure and function (SIFT, PolyPhen-2, Align-GVGD) all suggest that this variant is likely to be tolerated, but these predictions have not been confirmed by published functional studies and their clinical significance is uncertain. In summary, the available evidence is currently insufficient to determine the role of this variant in disease. Therefore, it has been classified as a Variant of Uncertain Significance. This variant has not been reported in the literature in individuals with ADA2-related conditions. This variant is not present in population databases (ExAC no frequency). This sequence change replaces alanine with proline at codon 345 of the ADA2 protein (p.Ala345Pro). The alanine residue is moderately conserved and there is a small physicochemical difference between alanine and proline.

Genome Diagnostics Laboratory, The Hospital for Sick Children
Classification: Uncertain significance for Autoinflammatory syndrome. Last evaluated: 2017-11-01. Review status: criteria provided, single submitter. Criteria: ACMG Guidelines, 2015. Collection method: clinical testing. Allele origin: germline. Affected: yes.

NM_001282225.2(ADA2):c.1033G>C (p.Ala345Pro)

Gene: ADA2 (adenosine deaminase 2; minus strand). Cytogenetic location: 22q11.1.
Variant type: single nucleotide variant.
Coding change: c.1033G>C on transcript NM_001282225.2 (MANE Select); coding-DNA position 1033, G replaced by C.
Protein change: p.Ala345Pro; replaces alanine 345 with proline.
Molecular consequence: missense variant.
Genome position (GRCh38, 1-based): chr22:17,188,387, C>G on the plus strand (G>C on the coding strand, the complement: ADA2 is on the minus strand). VCF-style: chr22-17188387-C-G. GRCh37 (hg19) VCF-style: chr22-17669277-C-G.
Other names: c.1033G>C, p.Ala345Pro (NM_001282226.2); c.907G>C, p.Ala303Pro (NM_001282227.2, NM_001282228.2); c.673G>C, p.Ala225Pro (NM_001282229.2); c.310G>C, p.Ala104Pro (NM_177405.3); short protein forms A104P, A345P, A225P, A303P.
Identifiers: ClinVar variation 934737 (VCV000934737.13), dbSNP rs752798667, ClinGen allele CA410233326.